The following is an entry in ClinVar:

NM_139027.6(ADAMTS13):c.1137C>T (p.Pro379=)

Gene: ADAMTS13 (ADAM metallopeptidase with thrombospondin type 1 motif 13; plus strand). Cytogenetic location: 9q34.2.
Variant type: single nucleotide variant.
Coding change: c.1137C>T on transcript NM_139027.6 (MANE Select); coding-DNA position 1137, C replaced by T.
Protein change: p.Pro379=; no amino-acid change (proline 379 retained).
Molecular consequence: synonymous variant.
Genome position (GRCh38, 1-based): chr9:133,433,422, C>T. VCF-style: chr9-133433422-C-T. GRCh37 (hg19) VCF-style: chr9-136298542-C-T.
Other names: p.Pro379=; c.1137C>T, p.Pro379= (NM_139025.5); c.1044C>T, p.Pro348= (NM_139026.6).
Identifiers: ClinVar variation 2053898 (VCV002053898.7), dbSNP rs147607799, ClinGen allele CA200926880.

ClinVar aggregate classification (germline): Benign/Likely benign. Review status: criteria provided, multiple submitters, no conflicts (2 of 4 stars). 4 submissions from 4 submitters: Benign (1); Likely benign (3). Last evaluated 2026-02-04.

Conditions:
ADAMTS13-related disorder. Also called: ADAMTS13-related condition.

Allele frequency attached by ClinVar (database versions not stated): gnomAD exomes 0.00005; ExAC 0.00021; 1000 Genomes Project 30x 0.00031; 1000 Genomes Project 0.00040; ESP Exome Variant Server 0.00054; gnomAD 0.00059; TOPMed 0.00067.

Submissions (4):

PreventionGenetics, part of Exact Sciences
Classification: Likely benign for ADAMTS13-related condition. Last evaluated: 2026-02-04. Review status: criteria provided, single submitter. Criteria: ACMG Guidelines, 2015. Collection method: clinical testing. Allele origin: germline.
Comment: This variant is classified as likely benign based on ACMG/AMP sequence variant interpretation guidelines (Richards et al. 2015 PMID: 25741868, with internal and published modifications).

Labcorp Genetics (formerly Invitae), Labcorp
Classification: Benign. Last evaluated: 2025-08-17. Review status: criteria provided, single submitter. Criteria: Invitae Variant Classification Sherloc (09022015). Collection method: clinical testing. Allele origin: germline.

Mayo Clinic Laboratories, Mayo Clinic
Classification: Likely benign. Last evaluated: 2024-10-31. Review status: criteria provided, single submitter. Criteria: ACMG Guidelines, 2015. Collection method: clinical testing. Allele origin: germline. Observed: 7 variant alleles.
Comment: BS1, BP4, BP7

Blueprint Genetics
Classification: Likely benign. Last evaluated: 2023-09-19. Review status: criteria provided, single submitter. Criteria: ACMG Guidelines, 2015. Collection method: clinical testing. Allele origin: germline.